The following is an entry in ClinVar:

ClinVar aggregate classification (germline): Likely benign (1 of 4 stars; one submission).

Allele frequency attached by ClinVar (database versions not stated): gnomAD 0.00001; TOPMed 0.00001.
gnomAD v4.1: 11 of 1,613,278 alleles (0.00068%); highest among the groups gnomAD compares: South Asian, 0.0011%; no homozygotes.

Submission:

CeGaT Center for Human Genetics Tuebingen
Classification: Likely benign. Last evaluated: 2022-04-01. Review status: criteria provided, single submitter. Criteria: CeGaT Center For Human Genetics Tuebingen Variant Classification Criteria Version 2. Collection method: clinical testing. Allele origin: germline. Affected: yes. Observed: 1 variant allele.
Comment: FNDC1: BP4, BP7

NM_032532.3(FNDC1):c.849T>A (p.Pro283=)

Gene: FNDC1 (fibronectin type III domain containing 1; plus strand). Cytogenetic location: 6q25.3.
Variant type: single nucleotide variant.
Coding change: c.849T>A on transcript NM_032532.3 (MANE Select); coding-DNA position 849, T replaced by A.
Protein change: p.Pro283=; no amino-acid change (proline 283 retained).
Molecular consequence: synonymous variant.
Genome position (GRCh38, 1-based): chr6:159,223,610, T>A. VCF-style: chr6-159223610-T-A. GRCh37 (hg19) VCF-style: chr6-159644642-T-A.
Identifiers: ClinVar variation 2657094 (VCV002657094.24), dbSNP rs1020433877, ClinGen allele CA151066938.